The following is an entry in ClinVar:

ClinVar aggregate classification (germline): Likely benign. Review status: criteria provided, single submitter (1 of 4 stars). 2 submissions from 2 submitters: Likely benign (1). 1 of the submissions does not count toward it. Last evaluated 2018-05-25.

Conditions:
SLC6A3-related disorder. Also called: SLC6A3-related condition.

Allele frequency attached by ClinVar (database versions not stated): ExAC 0.00002; gnomAD exomes 0.00001; TOPMed 0.00002.
gnomAD v4.1: 17 of 1,614,018 alleles (0.0011%); highest among the groups gnomAD compares: East Asian, 0.0089%; no homozygotes.

Submissions (2):

Labcorp Genetics (formerly Invitae), Labcorp
Classification: Likely benign. Last evaluated: 2018-05-25. Review status: criteria provided, single submitter. Criteria: Invitae Variant Classification Sherloc (09022015). Collection method: clinical testing. Allele origin: germline.

PreventionGenetics, part of Exact Sciences
Classification: Likely benign for SLC6A3-related condition. Last evaluated: 2019-08-19. Review status: no assertion criteria provided. Collection method: clinical testing. Allele origin: germline. Not counted in ClinVar's aggregate classification.
Comment: This variant is classified as likely benign based on ACMG/AMP sequence variant interpretation guidelines (Richards et al. 2015 PMID: 25741868, with internal and published modifications).

NM_001044.5(SLC6A3):c.1662C>T (p.Pro554=)

Gene: SLC6A3 (solute carrier family 6 member 3). Cytogenetic location: 5p15.33.
Variant type: single nucleotide variant.
Coding change: c.1662C>T on transcript NM_001044.5 (MANE Select); coding-DNA position 1662, C replaced by T.
Protein change: p.Pro554=; no amino-acid change (proline 554 retained).
Molecular consequence: synonymous variant.
Genome position (GRCh38, 1-based): chr5:1,403,027, G>A on the plus strand (C>T on the coding strand, the complement: SLC6A3 is on the minus strand). VCF-style: chr5-1403027-G-A. GRCh37 (hg19) VCF-style: chr5-1403142-G-A.
Identifiers: ClinVar variation 697722 (VCV000697722.5), dbSNP rs758772852, ClinGen allele CA3185953.